The following is an entry in ClinVar:

ClinVar aggregate classification (germline): Uncertain significance (1 of 4 stars; one submission).

Submission:

Labcorp Genetics (formerly Invitae), Labcorp
Classification: Uncertain significance. Last evaluated: 2025-09-08. Review status: criteria provided, single submitter. Criteria: Invitae Variant Classification Sherloc (09022015). Collection method: clinical testing. Allele origin: germline.
Comment: This sequence change replaces asparagine, which is neutral and polar, with aspartic acid, which is acidic and polar, at codon 239 of the PROSC protein (p.Asn239Asp). This variant is not present in population databases (gnomAD no frequency). This variant has not been reported in the literature in individuals affected with PROSC-related conditions. ClinVar contains an entry for this variant (Variation ID: 3654116). Invitae Evidence Modeling of protein sequence and biophysical properties (such as structural, functional, and spatial information, amino acid conservation, physicochemical variation, residue mobility, and thermodynamic stability) indicates that this missense variant is not expected to disrupt PROSC protein function with a negative predictive value of 80%. In summary, the available evidence is currently insufficient to determine the role of this variant in disease. Therefore, it has been classified as a Variant of Uncertain Significance.

NM_007198.4(PLPBP):c.715A>G (p.Asn239Asp)

Gene: PLPBP (pyridoxal phosphate binding protein; plus strand). Cytogenetic location: 8p11.23.
Variant type: single nucleotide variant.
Coding change: c.715A>G on transcript NM_007198.4 (MANE Select); coding-DNA position 715, A replaced by G.
Protein change: p.Asn239Asp; replaces asparagine 239 with aspartic acid.
Molecular consequence: missense variant.
Genome position (GRCh38, 1-based): chr8:37,777,991, A>G. VCF-style: chr8-37777991-A-G. GRCh37 (hg19) VCF-style: chr8-37635509-A-G.
Other names: c.745A>G, p.Asn249Asp (NM_001349346.2); c.709A>G, p.Asn237Asp (NM_001349347.2); c.559A>G, p.Asn187Asp (NM_001349348.2); short protein forms N239D, N187D, N237D, N249D.
Identifiers: ClinVar variation 3654116 (VCV003654116.2).